The following is an entry in ClinVar:

ClinVar aggregate classification (germline): Uncertain significance (1 of 4 stars; one submission).

Allele frequency attached by ClinVar (database versions not stated): TOPMed below 0.00001; gnomAD 0.00001; gnomAD exomes 0.00001.
gnomAD v4.1: 10 of 1,613,712 alleles (0.00062%); highest among the groups gnomAD compares: South Asian, 0.0088%; no homozygotes.

Submission:

Labcorp Genetics (formerly Invitae), Labcorp
Classification: Uncertain significance. Last evaluated: 2023-12-05. Review status: criteria provided, single submitter. Criteria: Invitae Variant Classification Sherloc (09022015). Collection method: clinical testing. Allele origin: germline.
Comment: This sequence change affects codon 213 of the TBCD mRNA. It is a 'silent' change, meaning that it does not change the encoded amino acid sequence of the TBCD protein. It affects a nucleotide within the consensus splice site. This variant is present in population databases (no rsID available, gnomAD 0.003%). This variant has not been reported in the literature in individuals affected with TBCD-related conditions. Algorithms developed to predict the effect of sequence changes on RNA splicing suggest that this variant is not likely to affect RNA splicing. In summary, the available evidence is currently insufficient to determine the role of this variant in disease. Therefore, it has been classified as a Variant of Uncertain Significance.

NM_005993.5(TBCD):c.637A>C (p.Arg213=)

Gene: TBCD (tubulin folding cofactor D). Cytogenetic location: 17q25.3.
Variant type: single nucleotide variant.
Coding change: c.637A>C on transcript NM_005993.5 (MANE Select); coding-DNA position 637, A replaced by C.
Protein change: p.Arg213=; no amino-acid change (arginine 213 retained).
Molecular consequence: synonymous variant.
Genome position (GRCh38, 1-based): chr17:82,772,506, A>C. VCF-style: chr17-82772506-A-C. GRCh37 (hg19) VCF-style: chr17-80730382-A-C.
Other names: c.586A>C, p.Arg196= (NM_001411101.1); c.637A>C, p.Arg213= (NM_001411102.1).
Identifiers: ClinVar variation 2962306 (VCV002962306.3), dbSNP rs772961655, ClinGen allele CA502587527.